The following is an entry in ClinVar:

ClinVar aggregate classification (germline): Pathogenic (1 of 4 stars; one submission).

Submissions (2):

Labcorp Genetics (formerly Invitae), Labcorp
Classification: Pathogenic. Last evaluated: 2021-05-27. Review status: criteria provided, single submitter. Criteria: Invitae Variant Classification Sherloc (09022015). Collection method: clinical testing. Allele origin: germline.
Comment: For these reasons, this variant has been classified as Pathogenic. This variant has not been reported in the literature in individuals with SSR4-related conditions. This variant is not present in population databases (ExAC no frequency). This sequence change creates a premature translational stop signal (p.Gln73*) in the SSR4 gene. It is expected to result in an absent or disrupted protein product. Loss-of-function variants in SSR4 are known to be pathogenic (PMID: 24218363, 26264460).

Dr. Peter K. Rogan Lab, Western University
No classification provided (evidence only). Condition: Thyroid cancer, nonmedullary, 1. Review status: no classification provided. Collection method: in vitro. Allele origin: not applicable. Functional consequence: retained intron. Not counted in ClinVar's aggregate classification.

Literature cited by the submitters: PubMed 24218363 (cited by Labcorp Genetics (formerly Invitae), Labcorp); PubMed 26264460 (cited by Labcorp Genetics (formerly Invitae), Labcorp).

NM_006280.3(SSR4):c.184C>T (p.Gln62Ter)

Gene: SSR4 (signal sequence receptor subunit 4; plus strand). Cytogenetic location: Xq28.
Variant type: single nucleotide variant.
Coding change: c.184C>T on transcript NM_006280.3 (MANE Select); coding-DNA position 184, C replaced by T.
Protein change: p.Gln62Ter; replaces glutamine 62 with a stop codon.
Molecular consequence: nonsense.
Genome position (GRCh38, 1-based): chrX:153,796,550, C>T. VCF-style: chrX-153796550-C-T. GRCh37 (hg19) VCF-style: chrX-153062005-C-T.
Other names: c.217C>T, p.Gln73Ter (NM_001204526.2); c.208C>T, p.Gln70Ter (NM_001204527.2); short protein forms Q62*, Q73*, Q70*.
Identifiers: ClinVar variation 1452967 (VCV001452967.7), dbSNP rs868996072, ClinGen allele CA415186363.